The following is an entry in ClinVar:

ClinVar aggregate classification (germline): Uncertain significance. Review status: criteria provided, multiple submitters, no conflicts (2 of 4 stars). 2 submissions from 2 submitters: Uncertain significance (2). Last evaluated 2024-01-01.

Conditions:
Juvenile polyposis syndrome (JPS). Identifiers: Orphanet 2929, MedGen C0345893, MONDO:0017380, OMIM 174900.
Hereditary cancer-predisposing syndrome. Also called: Hereditary Cancer Syndrome; Tumor predisposition; Hereditary neoplastic syndrome; Neoplastic Syndromes, Hereditary. Identifiers: Orphanet 140162, MedGen C0027672, MeSH D009386, MONDO:0015356.

Submissions (2):

Ambry Genetics
Classification: Uncertain significance for Hereditary cancer-predisposing syndrome. Last evaluated: 2024-01-01. Review status: criteria provided, single submitter. Criteria: Ambry Variant Classification Scheme 2023. Collection method: clinical testing. Allele origin: germline.
Comment: The p.L307F variant (also known as c.921G>C), located in coding exon 8 of the BMPR1A gene, results from a G to C substitution at nucleotide position 921. The leucine at codon 307 is replaced by phenylalanine, an amino acid with highly similar properties. This amino acid position is conserved. In addition, this alteration is predicted to be deleterious by in silico analysis. Since supporting evidence is limited at this time, the clinical significance of this alteration remains unclear.

Labcorp Genetics (formerly Invitae), Labcorp
Classification: Uncertain significance for Juvenile polyposis syndrome. Last evaluated: 2020-09-03. Review status: criteria provided, single submitter. Criteria: Invitae Variant Classification Sherloc (09022015). Collection method: clinical testing. Allele origin: germline.
Comment: Advanced modeling of protein sequence and biophysical properties (such as structural, functional, and spatial information, amino acid conservation, physicochemical variation, residue mobility, and thermodynamic stability) performed at Invitae indicates that this missense variant is expected to disrupt BMPR1A protein function. In summary, the available evidence is currently insufficient to determine the role of this variant in disease. Therefore, it has been classified as a Variant of Uncertain Significance. This variant has not been reported in the literature in individuals with BMPR1A-related conditions. This sequence change replaces leucine with phenylalanine at codon 307 of the BMPR1A protein (p.Leu307Phe). The leucine residue is highly conserved and there is a small physicochemical difference between leucine and phenylalanine. This variant is not present in population databases (ExAC no frequency).

NM_004329.3(BMPR1A):c.921G>C (p.Leu307Phe)

Gene: BMPR1A (bone morphogenetic protein receptor type 1A; plus strand). Cytogenetic location: 10q23.2.
Variant type: single nucleotide variant.
Coding change: c.921G>C on transcript NM_004329.3 (MANE Select); coding-DNA position 921, G replaced by C.
Protein change: p.Leu307Phe; replaces leucine 307 with phenylalanine.
Molecular consequence: missense variant.
Genome position (GRCh38, 1-based): chr10:86,919,224, G>C. VCF-style: chr10-86919224-G-C. GRCh37 (hg19) VCF-style: chr10-88678981-G-C.
Other names: c.921G>C (NM_004329.2); short protein forms L307F.
Identifiers: ClinVar variation 1052469 (VCV001052469.10), dbSNP rs1843622524, ClinGen allele CA377460035.
Genomic context (GRCh38, chr10:86,919,224, plus strand): 5'-CTGGACAGGTTTCATAGCGGCAGACATTAAAGGTACAGGTTCCTGGACTCAGCTCTATTT[G>C]ATTACTGATTACCATGAAAATGGATCTCTCTATGACTTCCTGAAATGTGCTACACTGGAC-3'
Protein context (NP_004320.2, residues 297-317): KGTGSWTQLY[Leu307Phe]ITDYHENGSL